The following is an entry in ClinVar:

NM_018475.5(TMEM165):c.96G>T (p.Arg32=)

Genes: TMEM165 (transmembrane protein 165; plus strand), LOC129992613 (ATAC-STARR-seq lymphoblastoid silent region 15439; plus strand). Cytogenetic location: 4q12.
Variant type: single nucleotide variant.
Coding change: c.96G>T on transcript NM_018475.5 (MANE Select); coding-DNA position 96, G replaced by T.
Protein change: p.Arg32=; no amino-acid change (arginine 32 retained).
Molecular consequence: synonymous variant. On other transcripts: non-coding transcript variant (1).
Genome position (GRCh38, 1-based): chr4:55,396,285, G>T. VCF-style: chr4-55396285-G-T. GRCh37 (hg19) VCF-style: chr4-56262452-G-T.
Other names: c.96G>T (NM_018475.4).
Identifiers: ClinVar variation 1612289 (VCV001612289.33), dbSNP rs769539033, ClinGen allele CA2925448.

ClinVar aggregate classification (germline): Benign/Likely benign. Review status: criteria provided, multiple submitters, no conflicts (2 of 4 stars). 3 submissions from 3 submitters: Benign (1); Likely benign (1). 1 of the submissions does not count toward it. Last evaluated 2025-07-27.

Conditions:
TMEM165-congenital disorder of glycosylation. Also called: Congenital disorder of glycosylation type 2k; TMEM165-CDG; CDG IIk. Identifiers: Orphanet 314667, MedGen C3553571, MONDO:0013870, OMIM 614727.
TMEM165-related disorder. Also called: TMEM165-related condition.

Allele frequency attached by ClinVar (database versions not stated): gnomAD exomes 0.00007 and 0.00011; ExAC 0.00026; 1000 Genomes Project 30x 0.00047; gnomAD 0.00084 and 0.00090; TOPMed 0.00087.
gnomAD v4.1: 231 of 1,528,542 alleles (0.015%); highest among the groups gnomAD compares: African/African-American, 0.28%; 2 homozygotes.

Submissions (3):

Labcorp Genetics (formerly Invitae), Labcorp
Classification: Benign for TMEM165-congenital disorder of glycosylation. Last evaluated: 2025-07-27. Review status: criteria provided, single submitter. Criteria: Invitae Variant Classification Sherloc (09022015). Collection method: clinical testing. Allele origin: germline.

CeGaT Center for Human Genetics Tuebingen
Classification: Likely benign. Last evaluated: 2022-09-01. Review status: criteria provided, single submitter. Criteria: CeGaT Center For Human Genetics Tuebingen Variant Classification Criteria Version 2. Collection method: clinical testing. Allele origin: germline. Affected: yes. Observed: 1 variant allele.
Comment: TMEM165: BP4, BP7

PreventionGenetics, part of Exact Sciences
Classification: Likely benign for TMEM165-related condition. Last evaluated: 2019-08-08. Review status: no assertion criteria provided. Collection method: clinical testing. Allele origin: germline. Not counted in ClinVar's aggregate classification.
Comment: This variant is classified as likely benign based on ACMG/AMP sequence variant interpretation guidelines (Richards et al. 2015 PMID: 25741868, with internal and published modifications).